The following is an entry in ClinVar:

ClinVar aggregate classification (germline): Conflicting classifications of pathogenicity. Review status: criteria provided, conflicting classifications (1 of 4 stars). 13 submissions from 12 submitters: Uncertain significance (2); Benign (6); Likely benign (2). 3 of the submissions do not count toward it. Last evaluated 2026-02-02.

Conditions:
Joubert syndrome. Also called: JOUBERT-BOLTSHAUSER SYNDROME; Familial aplasia of the vermis. Identifiers: Orphanet 475, MedGen C5979921, MONDO:0018772.
Meckel-Gruber syndrome. Also called: DYSENCEPHALIA SPLANCHNOCYSTICA; GRUBER SYNDROME; Dysencephalia splachnocystica. Identifiers: Orphanet 564, MedGen C0265215, MONDO:0018921.
Meckel syndrome, type 1 (MKS1). Also called: MECKEL-GRUBER SYNDROME, TYPE 1. Identifiers: Orphanet 564, MedGen C3714506, MONDO:0009571, OMIM 249000.
Bardet-Biedl syndrome 13 (BBS13). Identifiers: Orphanet 110, MedGen C2673873, MONDO:0014441, OMIM 615990.

Allele frequency attached by ClinVar (database versions not stated): gnomAD exomes 0.00113; ExAC 0.00148; 1000 Genomes Project 0.00419; 1000 Genomes Project 30x 0.00422; gnomAD 0.00442 and 0.00476; ESP Exome Variant Server 0.00447; TOPMed 0.00501.

Submissions (13):

Labcorp Genetics (formerly Invitae), Labcorp
Classification: Benign for Joubert syndrome; Meckel-Gruber syndrome. Last evaluated: 2026-02-02. Review status: criteria provided, single submitter. Criteria: Invitae Variant Classification Sherloc (09022015). Collection method: clinical testing. Allele origin: germline.

CeGaT Center for Human Genetics Tuebingen
Classification: Likely benign. Last evaluated: 2026-01-01. Review status: criteria provided, single submitter. Criteria: CeGaT Center For Human Genetics Tuebingen Variant Classification Criteria Version 2. Collection method: clinical testing. Allele origin: germline. Affected: yes. Observed: 3 variant alleles.
Comment: MKS1: BP4, BS1

Blueprint Genetics
Classification: Likely benign. Last evaluated: 2024-11-25. Review status: criteria provided, single submitter. Criteria: ACMG Guidelines, 2015. Collection method: clinical testing. Allele origin: germline.

Mayo Clinic Laboratories, Mayo Clinic
Classification: Benign. Last evaluated: 2022-03-15. Review status: criteria provided, single submitter. Criteria: ACMG Guidelines, 2015. Collection method: clinical testing. Allele origin: germline. Observed: 7 variant alleles.
Comment: BS1, BS2

Genetic Services Laboratory, University of Chicago
Classification: Benign. Last evaluated: 2020-07-10. Review status: criteria provided, single submitter. Criteria: ACMG Guidelines, 2015. Collection method: clinical testing. Allele origin: germline. Affected: no.

GeneDx
Classification: Benign. Last evaluated: 2018-11-09. Review status: criteria provided, single submitter. Criteria: GeneDx Variant Classification Process June 2021. Collection method: clinical testing. Allele origin: germline. Affected: yes.

Illumina Laboratory Services, Illumina
Classification: Benign for Bardet-Biedl syndrome 13. Last evaluated: 2018-01-12. Review status: criteria provided, single submitter. Criteria: ICSL Variant Classification Criteria 13 December 2019. Collection method: clinical testing. Allele origin: germline.
Comment: This variant was observed in the ICSL laboratory as part of a predisposition screen in an ostensibly healthy population. It had not been previously curated by ICSL or reported in the Human Gene Mutation Database (HGMD: prior to June 1st, 2018), and was therefore a candidate for classification through an automated scoring system. Utilizing variant allele frequency, disease prevalence and penetrance estimates, and inheritance mode, an automated score was calculated to assess if this variant is too frequent to cause the disease. Based on the score and internal cut-off values, a variant classified as benign is not then subjected to further curation. The score for this variant resulted in a classification of benign for this disease.

Illumina Laboratory Services, Illumina
Classification: Uncertain significance for Meckel syndrome, type 1. Last evaluated: 2018-01-12. Review status: criteria provided, single submitter. Criteria: ICSL Variant Classification Criteria 13 December 2019. Collection method: clinical testing. Allele origin: germline.

Center for Pediatric Genomic Medicine, Children's Mercy Hospital and Clinics
Classification: Uncertain significance. Last evaluated: 2015-06-04. Review status: criteria provided, single submitter. Criteria: ACMG Guidelines, 2015. Collection method: clinical testing. Allele origin: germline.
ClinVar note: Converted during submission from Uncertain Significance to Uncertain significance.

PreventionGenetics, part of Exact Sciences
Classification: Benign. Review status: criteria provided, single submitter. Criteria: ACMG Guidelines, 2015. Collection method: clinical testing. Allele origin: germline.

Natera, Inc.
Classification: Benign for Meckel syndrome type 1. Last evaluated: 2019-11-11. Review status: no assertion criteria provided. Collection method: clinical testing. Allele origin: germline. Not counted in ClinVar's aggregate classification.

Clinical Genetics, Academic Medical Center
Classification: Benign. Review status: no assertion criteria provided. Collection method: clinical testing. Allele origin: germline. Affected: yes. Study: VKGL Data-share Consensus. Not counted in ClinVar's aggregate classification.

Genome Diagnostics Laboratory, University Medical Center Utrecht
Classification: Benign. Review status: no assertion criteria provided. Collection method: clinical testing. Allele origin: germline. Affected: yes. Study: VKGL Data-share Consensus. Not counted in ClinVar's aggregate classification.

NM_017777.4(MKS1):c.1436G>A (p.Arg479His)

Gene: MKS1 (MKS transition zone complex subunit 1; minus strand). Cytogenetic location: 17q22.
Variant type: single nucleotide variant.
Coding change: c.1436G>A on transcript NM_017777.4 (MANE Select); coding-DNA position 1436, G replaced by A.
Protein change: p.Arg479His; replaces arginine 479 with histidine.
Molecular consequence: missense variant. On other transcripts: intron variant (2).
Genome position (GRCh38, 1-based): chr17:58,206,519, C>T on the plus strand (G>A on the coding strand, the complement: MKS1 is on the minus strand). VCF-style: chr17-58206519-C-T. GRCh37 (hg19) VCF-style: chr17-56283880-C-T.
Other names: p.Arg479His; c.827G>A, p.Arg276His (NM_001321268.2); c.1274-139G>A (NM_001330397.2); c.1408-139G>A (NM_001321269.2); short protein forms R479H, R276H.
Identifiers: ClinVar variation 211502 (VCV000211502.46), dbSNP rs111315726, ClinGen allele CA206807.